The following is an entry in ClinVar:

NM_000238.4(KCNH2):c.1913del (p.Lys638fs)

Gene: KCNH2 (potassium voltage-gated channel subfamily H member 2; minus strand). Cytogenetic location: 7q36.1.
Variant type: Deletion.
Coding change: c.1913del on transcript NM_000238.4 (MANE Select); coding-DNA position 1913, one base deleted (A; older notation c.1913delA).
Protein change: p.Lys638fs; shifts the reading frame from lysine 638.
Molecular consequence: frameshift variant. On other transcripts: non-coding transcript variant (2).
Genome position (GRCh38, 1-based): chr7:150,951,480, T deleted on the plus strand (A on the coding strand, the reverse complement: KCNH2 is on the minus strand); the first of 2 consecutive T bases (chr7:150,951,480-150,951,481); deleting either gives the same sequence. VCF-style (leftmost placement, unchanged base first): chr7-150951479-CT-C. GRCh37 (hg19) VCF-style: chr7-150648567-CT-C.
Other names: c.893del, p.Lys298fs (NM_001204798.2, NM_172057.3); c.1625del, p.Lys542fs (NM_001406753.1, NM_001406756.1); c.1736del, p.Lys579fs (NM_001406755.1); c.1613del, p.Lys538fs (NM_001406757.1); c.1913del, p.Lys638fs (NM_172056.3); short protein forms K298fs, K538fs, K542fs, K579fs, K638fs.
Identifiers: ClinVar variation 3068475 (VCV003068475.4), dbSNP rs2486035896, ClinGen allele CA2825001558.

ClinVar aggregate classification (germline): Pathogenic (1 of 4 stars; one submission).

Conditions:
Long QT syndrome 2 (LQT2). Identifiers: Orphanet 101016, Orphanet 768, MedGen C3150943, MONDO:0013367, OMIM 613688.

Submission:

Institute of Human Genetics, University of Leipzig Medical Center
Classification: Pathogenic for Long QT syndrome 2. Last evaluated: 2025-08-12. Review status: criteria provided, single submitter. Criteria: ACMG Guidelines, 2015. Collection method: clinical testing. Allele origin: unknown. Inheritance: Autosomal dominant inheritance. Affected: yes.
Comment: Criteria applied: PVS1,PM2